The following is an entry in ClinVar:

ClinVar aggregate classification (germline): Uncertain significance. Review status: reviewed by expert panel (3 of 4 stars). 3 submissions from 3 submitters: Uncertain significance (1). 2 of the submissions do not count toward it. Last evaluated 2024-06-17.

Conditions:
Immunodeficiency 104. Also called: IMMUNODEFICIENCY 104, SEVERE COMBINED; SCID, AUTOSOMAL RECESSIVE, T CELL-NEGATIVE, B CELL-POSITIVE, NK CELL-POSITIVE; Severe combined immunodeficiency, autosomal recessive, T cell-negative, B cell-positive, NK cell-positive; Severe Combined Immune Deficiency, Autosomal Recessive, TCell -Negative, B Cell-Positive, NK Cell-Positive, IL7R-Related. Identifiers: MedGen C5676890, MONDO:0012163, OMIM 608971.

Allele frequency attached by ClinVar (database versions not stated): gnomAD exomes below 0.00001; gnomAD 0.00001; TOPMed 0.00001.

Submissions (3):

ClinGen Severe Combined Immunodeficiency Variant Curation Expert Panel, ClinGen
Classification: Uncertain significance for Immunodeficiency 104. Last evaluated: 2024-06-17. Review status: reviewed by expert panel. Criteria: ClinGen SCID ACMG Specifications IL7R V1.0.0. Collection method: curation. Allele origin: germline. Inheritance: Autosomal recessive inheritance.
Comment: NM_002185.5(IL7R):c.212T>C is a missense variant predicted to cause substitution of Phenylalanine by Serine at amino acid 71 (p.Phe71Ser).The filtering allele frequency of the c.212T>C variant in IL7R is 0 by gnomAD v4, which is lower than the ClinGen SCID VCEP threshold (<0.00004129) for PM2_Supporting, and therefore meets this criterion (PM2_Supporting). One patient (PMID: 23810098) was found heterozygous for F71S & H180P (pre-curated as VUS) (0.25 pt.) (PM3 not met). To our knowledge, this variant has not been reported in the literature in individuals affected with IL7R-related conditions or in functional studies. In summary, this variant meets the criteria to be classified as a variant of uncertain significance for autosomal recessive severe combined immunodeficiency due to IL7R deficiency based on the ACMG/AMP criteria applied, as specified by the ClinGen SCID VCEP: PM2_Supporting (VCEP specifications version 1).

Labcorp Genetics (formerly Invitae), Labcorp
Classification: Uncertain significance for Immunodeficiency 104. Last evaluated: 2025-09-10. Review status: criteria provided, single submitter. Criteria: Invitae Variant Classification Sherloc (09022015). Collection method: clinical testing. Allele origin: germline. Not counted in ClinVar's aggregate classification.
Comment: This sequence change replaces phenylalanine, which is neutral and non-polar, with serine, which is neutral and polar, at codon 71 of the IL7R protein (p.Phe71Ser). This variant is present in population databases (rs147423300, gnomAD 0.006%). This variant has not been reported in the literature in individuals affected with IL7R-related conditions. ClinVar contains an entry for this variant (Variation ID: 418257). Invitae Evidence Modeling of protein sequence and biophysical properties (such as structural, functional, and spatial information, amino acid conservation, physicochemical variation, residue mobility, and thermodynamic stability) indicates that this missense variant is expected to disrupt IL7R protein function with a positive predictive value of 95%. In summary, the available evidence is currently insufficient to determine the role of this variant in disease. Therefore, it has been classified as a Variant of Uncertain Significance.

GeneDx
Classification: Likely pathogenic. Last evaluated: 2014-01-02. Review status: criteria provided, single submitter. Criteria: GeneDx Variant Classification (06012015). Collection method: clinical testing. Allele origin: germline. Affected: yes. Not counted in ClinVar's aggregate classification.
Comment: To our knowledge, the F71S missense substitution has neither been published as a pathogenic variant, nor reported as a benign polymorphism. This variant was not observed in approximately 6,500 individuals of European and African American ancestry in an external variant database, indicating it is not a common benign variant in these populations. The F71S variant results in a non-conservative amino acid substitution, as a large, non-polar Phenylalanine residue is replaced by a smaller, polar Serine residue. It alters an amino acid in a conserved region of the extracellular domain of the protein, and a missense variant has been reported at a neighboring codon (C74Y) in association with SCID (Giliani et al., 2005). Therefore, F71S is a strong candidate for a pathogenic variant; however, the possibility that it is a benign variant cannot be excluded.

NM_002185.5(IL7R):c.212T>C (p.Phe71Ser)

Gene: IL7R (interleukin 7 receptor; plus strand). Cytogenetic location: 5p13.2.
Variant type: single nucleotide variant.
Coding change: c.212T>C on transcript NM_002185.5 (MANE Select); coding-DNA position 212, T replaced by C.
Protein change: p.Phe71Ser; replaces phenylalanine 71 with serine.
Molecular consequence: missense variant. On other transcripts: non-coding transcript variant (1).
Genome position (GRCh38, 1-based): chr5:35,860,981, T>C. VCF-style: chr5-35860981-T-C. GRCh37 (hg19) VCF-style: chr5-35861083-T-C.
Other names: NM_002185.5(IL7R):c.212T>C; p.Phe71Ser; short protein forms F71S.
Identifiers: ClinVar variation 418257 (VCV000418257.3), dbSNP rs147423300, ClinGen allele CA3231862.